The following is an entry in ClinVar:

NM_001085487.3(MYSM1):c.1580C>T (p.Ser527Phe)

Gene: MYSM1 (Myb like, SWIRM and MPN domains 1; minus strand). Cytogenetic location: 1p32.1.
Variant type: single nucleotide variant.
Coding change: c.1580C>T on transcript NM_001085487.3 (MANE Select); coding-DNA position 1580, C replaced by T.
Protein change: p.Ser527Phe; replaces serine 527 with phenylalanine.
Molecular consequence: missense variant.
Genome position (GRCh38, 1-based): chr1:58,671,951, G>A on the plus strand (C>T on the coding strand, the complement: MYSM1 is on the minus strand). VCF-style: chr1-58671951-G-A. GRCh37 (hg19) VCF-style: chr1-59137623-G-A.
Other names: c.1580C>T (NM_001085487.2); short protein forms S527F.
Identifiers: ClinVar variation 2867389 (VCV002867389.5), dbSNP rs201737420, ClinGen allele CA877741.
Genomic context (GRCh38, chr1:58,671,951, plus strand): 5'-TTTAAAGATTTAACAGGTCTGCCTTTTTCCTCTTCTCTTCTTTTTGCCAACTCCTCAGCA[G>A]AGAGATGCTAAAACAAAATGCCAATTGATTAAGGAGTCCATCATCTACTAAGAGGCAGAA-3'
Protein context (NP_001078956.1, residues 517-537): DLEGQTFEHL[Ser527Phe]AEELAKRREE

ClinVar aggregate classification (germline): Likely benign. Review status: criteria provided, single submitter (1 of 4 stars). 2 submissions from 2 submitters: Likely benign (1). 1 of the submissions does not count toward it. Last evaluated 2024-07-01.

Conditions:
MYSM1-related disorder. Also called: MYSM1-related condition.

Allele frequency attached by ClinVar (database versions not stated): TOPMed below 0.00001; gnomAD exomes 0.00011; ExAC 0.00022; gnomAD 0.00028.
gnomAD v4.1: 205 of 1,612,550 alleles (0.013%); highest among the groups gnomAD compares: Non-Finnish European, 0.00051%; no homozygotes.

Submissions (2):

Labcorp Genetics (formerly Invitae), Labcorp
Classification: Likely benign. Last evaluated: 2024-07-01. Review status: criteria provided, single submitter. Criteria: Invitae Variant Classification Sherloc (09022015). Collection method: clinical testing. Allele origin: germline.

PreventionGenetics, part of Exact Sciences
Classification: Likely benign for MYSM1-related condition. Last evaluated: 2022-09-15. Review status: no assertion criteria provided. Collection method: clinical testing. Allele origin: germline. Not counted in ClinVar's aggregate classification.
Comment: This variant is classified as likely benign based on ACMG/AMP sequence variant interpretation guidelines (Richards et al. 2015 PMID: 25741868, with internal and published modifications).